The following is an entry in ClinVar:

ClinVar aggregate classification (germline): Uncertain significance. Review status: criteria provided, multiple submitters, no conflicts (2 of 4 stars). 2 submissions from 2 submitters: Uncertain significance (2). Last evaluated 2024-12-08.

Conditions:
Rhabdoid tumor predisposition syndrome 2 (RTPS2). Identifiers: Orphanet 231108, Orphanet 69077, MedGen C2750074, MONDO:0013224, OMIM 613325.
Hereditary cancer-predisposing syndrome. Also called: Hereditary Cancer Syndrome; Tumor predisposition; Neoplastic Syndromes, Hereditary; Hereditary neoplastic syndrome. Identifiers: Orphanet 140162, MedGen C0027672, MeSH D009386, MONDO:0015356.

gnomAD v4.1: 1 of 1,612,706 alleles (0.000062%); highest among the groups gnomAD compares: Non-Finnish European, 0.000085%; no homozygotes.

Submissions (2):

Ambry Genetics
Classification: Uncertain significance for Hereditary cancer-predisposing syndrome. Last evaluated: 2024-12-08. Review status: criteria provided, single submitter. Criteria: Ambry Variant Classification Scheme 2023. Collection method: clinical testing. Allele origin: germline.
Comment: The p.L1513V variant (also known as c.4537C>G), located in coding exon 31 of the SMARCA4 gene, results from a C to G substitution at nucleotide position 4537. The leucine at codon 1513 is replaced by valine, an amino acid with highly similar properties. This amino acid position is conserved. In addition, this alteration is predicted to be tolerated by in silico analysis. Based on the available evidence, the clinical significance of this variant remains unclear.

Labcorp Genetics (formerly Invitae), Labcorp
Classification: Uncertain significance for Rhabdoid tumor predisposition syndrome 2. Last evaluated: 2022-02-24. Review status: criteria provided, single submitter. Criteria: Invitae Variant Classification Sherloc (09022015). Collection method: clinical testing. Allele origin: germline.
Comment: In summary, the available evidence is currently insufficient to determine the role of this variant in disease. Therefore, it has been classified as a Variant of Uncertain Significance. Algorithms developed to predict the effect of missense changes on protein structure and function (SIFT, PolyPhen-2, Align-GVGD) all suggest that this variant is likely to be disruptive. This sequence change replaces leucine, which is neutral and non-polar, with valine, which is neutral and non-polar, at codon 1513 of the SMARCA4 protein (p.Leu1513Val). This variant is not present in population databases (gnomAD no frequency). This variant has not been reported in the literature in individuals affected with SMARCA4-related conditions.

NM_003072.5(SMARCA4):c.4441C>G (p.Leu1481Val)

Gene: SMARCA4 (SWI/SNF related BAF chromatin remodeling complex subunit ATPase 4; plus strand). Cytogenetic location: 19p13.2.
Variant type: single nucleotide variant.
Coding change: c.4441C>G on transcript NM_003072.5 (MANE Select); coding-DNA position 4441, C replaced by G.
Protein change: p.Leu1481Val; replaces leucine 1481 with valine.
Molecular consequence: missense variant. On other transcripts: non-coding transcript variant (1).
Genome position (GRCh38, 1-based): chr19:11,058,271, C>G. VCF-style: chr19-11058271-C-G. GRCh37 (hg19) VCF-style: chr19-11168947-C-G.
Other names: c.4441C>G, p.Leu1481Val (NM_001128844.3); c.4351C>G, p.Leu1451Val (NM_001128845.2); c.4348C>G, p.Leu1450Val (NM_001128846.2); c.4342C>G, p.Leu1448Val (NM_001128847.4, NM_001374457.1); c.4339C>G, p.Leu1447Val (NM_001128848.2); c.4537C>G, p.Leu1513Val (NM_001128849.3, NM_001387283.1); c.4438C>G, p.Leu1480Val (NM_001411150.1); c.4537C>G (NM_001128849.1); short protein forms L1448V, L1451V, L1447V, L1450V, L1480V, L1481V, L1513V.
Identifiers: ClinVar variation 2102814 (VCV002102814.5), dbSNP rs1386305807, ClinGen allele CA404077286.